The following is an entry in ClinVar:

ClinVar aggregate classification (germline): Benign/Likely benign. Review status: criteria provided, single submitter (1 of 4 stars). 2 submissions from 1 submitter: Benign (1); Likely benign (1). Last evaluated 2017-04-27.

Conditions:
Deficiency of steroid 11-beta-monooxygenase (CYP11B1). Also called: ADRENAL HYPERPLASIA, CONGENITAL, DUE TO STEROID 11-BETA-HYDROXYLASE DEFICIENCY; 11-BETA-HYDROXYLASE DEFICIENCY; P450C11B1 DEFICIENCY; STEROID 11-BETA-HYDROXYLASE DEFICIENCY; Congenital adrenal hyperplasia due to 11-beta-hydroxylase deficiency; ADRENAL HYPERPLASIA IV. Identifiers: Orphanet 90795, MedGen C0268292, MONDO:0008729, OMIM 202010. Disease mechanism: loss of function.
Glucocorticoid-remediable aldosteronism. Also called: Hyperaldosteronism, familial, type I; ACTH-DEPENDENT HYPERALDOSTERONISM SYNDROME; ALDOSTERONISM, SENSITIVE TO DEXAMETHASONE; FH I; GLUCOCORTICOID-SUPPRESSIBLE HYPERALDOSTERONISM. Identifiers: Orphanet 403, MedGen C3838731, MONDO:0007080, OMIM 103900.

Allele frequency attached by ClinVar (database versions not stated): TOPMed 0.00002.
gnomAD v4.1: 4 of 630,712 alleles (0.00063%); highest among the groups gnomAD compares: Non-Finnish European, 0.00086%; no homozygotes.

Submissions (2):

Illumina Laboratory Services, Illumina
Classification: Benign for Glucocorticoid-remediable aldosteronism. Last evaluated: 2017-04-27. Review status: criteria provided, single submitter. Criteria: ICSL Variant Classification Criteria 13 December 2019. Collection method: clinical testing. Allele origin: germline.
Comment: This variant was observed as part of a predisposition screen in an ostensibly healthy population. A literature search was performed for the gene, cDNA change, and amino acid change (where applicable). No publications were found based on this search. Allele frequency data from public databases was too high to be consistent with this variant causing disease. Therefore, this variant is classified as benign.

Illumina Laboratory Services, Illumina
Classification: Likely benign for Deficiency of steroid 11-beta-monooxygenase. Last evaluated: 2017-04-27. Review status: criteria provided, single submitter. Criteria: ICSL Variant Classification Criteria 13 December 2019. Collection method: clinical testing. Allele origin: germline.
Comment: This variant was observed as part of a predisposition screen in an ostensibly healthy population. A literature search was performed for the gene, cDNA change, and amino acid change (where applicable). No publications were found based on this search. Allele frequency data from public databases allowed determination this variant is unlikely to cause disease. Therefore, this variant is classified as likely benign.

NM_000497.4(CYP11B1):c.*193A>C

Gene: CYP11B1 (cytochrome P450 family 11 subfamily B member 1; minus strand). Cytogenetic location: 8q24.3.
Variant type: single nucleotide variant.
Coding change: c.*193A>C on transcript NM_000497.4 (MANE Select); 193 bases downstream of the stop codon, A replaced by C.
Molecular consequence: 3 prime UTR variant.
Genome position (GRCh38, 1-based): chr8:142,874,180, T>G on the plus strand (A>C on the coding strand, the complement: CYP11B1 is on the minus strand). VCF-style: chr8-142874180-T-G. GRCh37 (hg19) VCF-style: chr8-143955596-T-G.
Other names: c.*193A>C (NM_001026213.1).
Identifiers: ClinVar variation 910040 (VCV000910040.4), dbSNP rs61752798, ClinGen allele CA848696172.